The following is an entry in ClinVar:

ClinVar aggregate classification (germline): Pathogenic. Review status: criteria provided, multiple submitters, no conflicts (2 of 4 stars). 2 submissions from 2 submitters: Pathogenic (2). Last evaluated 2023-02-13.

Conditions:
Thrombocytopenia 1. Also called: X-Linked Thrombocytopenia (XLT); THROMBOCYTOPENIA, X-LINKED, 1; X-linked thrombocytopenia with normal platelets. Identifiers: Orphanet 268322, Orphanet 852, MedGen C1839163, MONDO:0010743, OMIM 313900.
X-linked severe congenital neutropenia (SCNX). Identifiers: Orphanet 86788, MedGen C1845987, MONDO:0010294, OMIM 300299.
Wiskott-Aldrich syndrome (WAS). Also called: Wiskott-aldrich syndrome, somatic; WISKOTT-ALDRICH SYNDROME 1; ALDRICH SYNDROME; IMMUNODEFICIENCY 2. Identifiers: Orphanet 906, MedGen C0043194, MONDO:0010518, OMIM 301000.

Submissions (2):

Labcorp Genetics (formerly Invitae), Labcorp
Classification: Pathogenic for Wiskott-Aldrich syndrome; X-linked severe congenital neutropenia; Thrombocytopenia 1. Last evaluated: 2023-02-13. Review status: criteria provided, single submitter. Criteria: Invitae Variant Classification Sherloc (09022015). Collection method: clinical testing. Allele origin: germline.
Comment: This variant is not present in population databases (gnomAD no frequency). This sequence change creates a premature translational stop signal (p.Trp64*) in the WAS gene. It is expected to result in an absent or disrupted protein product. Loss-of-function variants in WAS are known to be pathogenic (PMID: 15284122). This variant has not been reported in the literature in individuals affected with WAS-related conditions. For these reasons, this variant has been classified as Pathogenic. ClinVar contains an entry for this variant (Variation ID: 1338374).

Genetic Services Laboratory, University of Chicago
Classification: Pathogenic. Last evaluated: 2018-02-22. Review status: criteria provided, single submitter. Criteria: ACMG Guidelines, 2015. Collection method: clinical testing. Allele origin: germline. Affected: yes.

Literature cited by the submitters: PubMed 15284122 (cited by Labcorp Genetics (formerly Invitae), Labcorp).

NM_000377.3(WAS):c.192G>A (p.Trp64Ter)

Gene: WAS (WASP actin nucleation promoting factor; plus strand). Cytogenetic location: Xp11.23.
Variant type: single nucleotide variant.
Coding change: c.192G>A on transcript NM_000377.3 (MANE Select); coding-DNA position 192, G replaced by A.
Protein change: p.Trp64Ter; replaces tryptophan 64 with a stop codon.
Molecular consequence: nonsense.
Genome position (GRCh38, 1-based): chrX:48,684,342, G>A. VCF-style: chrX-48684342-G-A. GRCh37 (hg19) VCF-style: chrX-48542731-G-A.
Other names: short protein forms W64*.
Identifiers: ClinVar variation 1338374 (VCV001338374.8), dbSNP rs2147262855, ClinGen allele CA412866362.